The following is an entry in ClinVar:

NM_015702.3(MMADHC):c.453G>A (p.Gln151=)

Gene: MMADHC (metabolism of cobalamin associated D; minus strand). Cytogenetic location: 2q23.2.
Variant type: single nucleotide variant.
Coding change: c.453G>A on transcript NM_015702.3 (MANE Select); coding-DNA position 453, G replaced by A.
Protein change: p.Gln151=; no amino-acid change (glutamine 151 retained).
Molecular consequence: synonymous variant.
Genome position (GRCh38, 1-based): chr2:149,576,462, C>T on the plus strand (G>A on the coding strand, the complement: MMADHC is on the minus strand). VCF-style: chr2-149576462-C-T. GRCh37 (hg19) VCF-style: chr2-150432976-C-T.
Other names: p.Q151Q:CAG>CAA; p.Gln151=.
Identifiers: ClinVar variation 203836 (VCV000203836.25), dbSNP rs11545261, ClinGen allele CA312743.

ClinVar aggregate classification (germline): Benign. Review status: criteria provided, multiple submitters, no conflicts (2 of 4 stars). 12 submissions from 11 submitters: Benign (9). 3 of the submissions do not count toward it. Last evaluated 2026-02-04.

Conditions:
Disorders of Intracellular Cobalamin Metabolism. Identifiers: MedGen CN043592.
Methylmalonic aciduria and homocystinuria type cblD (MAHCD). Also called: Methylmalonic aciduria with homocystinuria cblD type; METHYLMALONIC ACIDEMIA, cblH TYPE. Identifiers: Orphanet 622, Orphanet 79283, MedGen C1848552, MONDO:0010185, OMIM 277410.

Allele frequency attached by ClinVar (database versions not stated): 1000 Genomes Project 30x 0.74984; 1000 Genomes Project 0.75958; TOPMed 0.77125; ESP Exome Variant Server 0.77395; gnomAD 0.78682 and 0.79365; ExAC 0.86807; gnomAD exomes 0.87341 and 0.89670.
gnomAD v4.1: 1,429,093 of 1,611,946 alleles (89%); highest among the groups gnomAD compares: Non-Finnish European, 91%; 639,717 homozygotes.

Submissions (12):

Labcorp Genetics (formerly Invitae), Labcorp
Classification: Benign for Methylmalonic aciduria and homocystinuria type cblD. Last evaluated: 2026-02-04. Review status: criteria provided, single submitter. Criteria: Invitae Variant Classification Sherloc (09022015). Collection method: clinical testing. Allele origin: germline.

Mayo Clinic Laboratories, Mayo Clinic
Classification: Benign. Last evaluated: 2022-03-31. Review status: criteria provided, single submitter. Criteria: ACMG Guidelines, 2015. Collection method: clinical testing. Allele origin: germline. Observed: 101 variant alleles.

Genome-Nilou Lab
Classification: Benign for Methylmalonic aciduria and homocystinuria type cblD. Last evaluated: 2021-09-05. Review status: criteria provided, single submitter. Criteria: ACMG Guidelines, 2015. Collection method: clinical testing. Allele origin: germline. Affected: no.

Illumina Laboratory Services, Illumina
Classification: Benign for Methylmalonic aciduria and homocystinuria type cblD. Last evaluated: 2018-01-13. Review status: criteria provided, single submitter. Criteria: ICSL Variant Classification Criteria 13 December 2019. Collection method: clinical testing. Allele origin: germline.
Comment: This variant was observed in the ICSL laboratory as part of a predisposition screen in an ostensibly healthy population. It had not been previously curated by ICSL or reported in the Human Gene Mutation Database (HGMD: prior to June 1st, 2018), and was therefore a candidate for classification through an automated scoring system. Utilizing variant allele frequency, disease prevalence and penetrance estimates, and inheritance mode, an automated score was calculated to assess if this variant is too frequent to cause the disease. Based on the score and internal cut-off values, a variant classified as benign is not then subjected to further curation. The score for this variant resulted in a classification of benign for this disease.

Illumina Laboratory Services, Illumina
Classification: Benign for Disorders of Intracellular Cobalamin Metabolism. Last evaluated: 2018-01-13. Review status: criteria provided, single submitter. Criteria: ICSL Variant Classification Criteria 13 December 2019. Collection method: clinical testing. Allele origin: germline.
Comment: the same text as in the submission from Illumina Laboratory Services, Illumina above.

Laboratory for Molecular Medicine, Mass General Brigham Personalized Medicine
Classification: Benign. Last evaluated: 2016-03-29. Review status: criteria provided, single submitter. Criteria: LMM Criteria. Collection method: clinical testing. Allele origin: germline.
Comment: Variant identified in a genome or exome case(s) and assessed due to predicted null impact of the variant or pathogenic assertions in the literature or databases. Disclaimer: This variant has not undergone full assessment. The following are preliminary notes: 87% of total chromosomes in ExAC

GeneDx
Classification: Benign. Last evaluated: 2014-07-07. Review status: criteria provided, single submitter. Criteria: GeneDx Variant Classification (06012015). Collection method: clinical testing. Allele origin: germline. Affected: yes.
Comment: This variant is considered likely benign or benign based on one or more of the following criteria: it is a conservative change, it occurs at a poorly conserved position in the protein, it is predicted to be benign by multiple in silico algorithms, and/or has population frequency not consistent with disease.

Breakthrough Genomics
Classification: Benign. Review status: criteria provided, single submitter. Criteria: ACMG Guidelines, 2015. Collection method: not provided. Allele origin: germline. Inheritance: Autosomal recessive inheritance. Affected: yes.

PreventionGenetics, part of Exact Sciences
Classification: Benign. Review status: criteria provided, single submitter. Criteria: ACMG Guidelines, 2015. Collection method: clinical testing. Allele origin: germline.

Natera, Inc.
Classification: Benign for Methylmalonic aciduria with homocystinuria cblD type. Last evaluated: 2020-09-16. Review status: no assertion criteria provided. Collection method: clinical testing. Allele origin: germline. Not counted in ClinVar's aggregate classification.

Clinical Genetics, Academic Medical Center
Classification: Benign. Review status: no assertion criteria provided. Collection method: clinical testing. Allele origin: germline. Affected: yes. Study: VKGL Data-share Consensus. Not counted in ClinVar's aggregate classification.

Diagnostic Laboratory, Department of Genetics, University Medical Center Groningen
Classification: Benign for Methylmalonic aciduria and homocystinuria type cblD. Review status: no assertion criteria provided. Collection method: clinical testing. Allele origin: germline. Affected: yes. Study: VKGL Data-share Consensus. Not counted in ClinVar's aggregate classification.